The following is an entry in ClinVar:

ClinVar aggregate classification (germline): Uncertain significance. Review status: criteria provided, multiple submitters, no conflicts (2 of 4 stars). 2 submissions from 2 submitters: Uncertain significance (2). Last evaluated 2023-12-22.

Conditions:
NIK deficiency. Also called: Primary immunodeficiency with multifaceted aberrant lymphoid immunity. Identifiers: Orphanet 447731, MedGen C5680065, MONDO:0018642.

Allele frequency attached by ClinVar (database versions not stated): gnomAD 0.00018 and 0.00019; TOPMed 0.00019; gnomAD exomes 0.00020 and 0.00037; ExAC 0.00024; ESP Exome Variant Server 0.00040.
gnomAD v4.1: 557 of 1,613,682 alleles (0.035%); highest among the groups gnomAD compares: Non-Finnish European, 0.045%; no homozygotes.

Submissions (2):

Blueprint Genetics
Classification: Uncertain significance. Last evaluated: 2023-12-22. Review status: criteria provided, single submitter. Criteria: ACMG Guidelines, 2015. Collection method: clinical testing. Allele origin: germline.

Labcorp Genetics (formerly Invitae), Labcorp
Classification: Uncertain significance for NIK deficiency. Last evaluated: 2022-09-01. Review status: criteria provided, single submitter. Criteria: Invitae Variant Classification Sherloc (09022015). Collection method: clinical testing. Allele origin: germline.
Comment: This sequence change replaces histidine, which is basic and polar, with arginine, which is basic and polar, at codon 872 of the MAP3K14 protein (p.His872Arg). This variant is present in population databases (rs200689947, gnomAD 0.04%). This variant has not been reported in the literature in individuals affected with MAP3K14-related conditions. ClinVar contains an entry for this variant (Variation ID: 660828). In summary, the available evidence is currently insufficient to determine the role of this variant in disease. Therefore, it has been classified as a Variant of Uncertain Significance.

NM_003954.5(MAP3K14):c.2615A>G (p.His872Arg)

Genes: MAP3K14 (mitogen-activated protein kinase kinase kinase 14; minus strand), MAP3K14-AS1 (MAP3K14 antisense RNA 1; plus strand). Cytogenetic location: 17q21.31.
Variant type: single nucleotide variant.
Coding change: c.2615A>G on transcript NM_003954.5 (MANE Select); coding-DNA position 2615, A replaced by G.
Protein change: p.His872Arg; replaces histidine 872 with arginine.
Molecular consequence: missense variant.
Genome position (GRCh38, 1-based): chr17:45,265,227, T>C on the plus strand (A>G on the coding strand, the complement: MAP3K14 is on the minus strand). VCF-style: chr17-45265227-T-C. GRCh37 (hg19) VCF-style: chr17-43342594-T-C.
Other names: c.2615A>G, p.His872Arg (LRG_1222t1); short protein forms H872R.
Identifiers: ClinVar variation 660828 (VCV000660828.7), dbSNP rs200689947, ClinGen allele CA8613817.